The following is an entry in ClinVar:

NM_024496.4(IRF2BPL):c.1655A>G (p.Asp552Gly)

Gene: IRF2BPL (interferon regulatory factor 2 binding protein like; minus strand). Cytogenetic location: 14q24.3.
Variant type: single nucleotide variant.
Coding change: c.1655A>G on transcript NM_024496.4 (MANE Select); coding-DNA position 1655, A replaced by G.
Protein change: p.Asp552Gly; replaces aspartic acid 552 with glycine.
Molecular consequence: missense variant.
Genome position (GRCh38, 1-based): chr14:77,026,138, T>C on the plus strand (A>G on the coding strand, the complement: IRF2BPL is on the minus strand). VCF-style: chr14-77026138-T-C. GRCh37 (hg19) VCF-style: chr14-77492481-T-C.
Other names: short protein forms D552G.
Identifiers: ClinVar variation 4996652 (VCV004996652.1).

ClinVar aggregate classification (germline): Uncertain significance (1 of 4 stars; one submission).

Conditions:
IRF2BPL-related disorder. Also called: IRF2BPL-related condition. Identifiers: MedGen CN381093.

Submission:

PreventionGenetics, part of Exact Sciences
Classification: Uncertain significance for IRF2BPL-related condition. Last evaluated: 2026-04-23. Review status: criteria provided, single submitter. Criteria: ACMG Guidelines, 2015. Collection method: clinical testing. Allele origin: germline.
Comment: The IRF2BPL c.1655A>G variant is predicted to result in the amino acid substitution p.Asp552Gly. To our knowledge, this variant has not been reported in the literature or in a large population database (gnomAD), indicating this variant is rare. At this time, the clinical significance of this variant is uncertain due to the absence of conclusive functional and genetic evidence.